The following is an entry in ClinVar:

ClinVar aggregate classification (germline): Uncertain significance (1 of 4 stars; one submission).

Conditions:
Dilated cardiomyopathy 1O (CMD1O). Also called: CARDIOMYOPATHY, DILATED, WITH VENTRICULAR TACHYCARDIA. Identifiers: Orphanet 154, MedGen C1837839, MONDO:0012062, OMIM 608569.

Submission:

Labcorp Genetics (formerly Invitae), Labcorp
Classification: Uncertain significance for Dilated cardiomyopathy 1O. Last evaluated: 2017-08-17. Review status: criteria provided, single submitter. Criteria: Invitae Variant Classification Sherloc (09022015). Collection method: clinical testing. Allele origin: germline.
Comment: In summary, the available evidence is currently insufficient to determine the role of this variant in disease. Therefore, it has been classified as a Variant of Uncertain Significance. Algorithms developed to predict the effect of missense changes on protein structure and function do not agree on the potential impact of this missense change (SIFT: "Tolerated"; PolyPhen-2: "Benign"; Align-GVGD: "Class C0"). This variant has not been reported in the literature in individuals with ABCC9-related disease. This variant is not present in population databases (ExAC no frequency). This sequence change replaces phenylalanine with leucine at codon 46 of the ABCC9 protein (p.Phe46Leu). The phenylalanine residue is moderately conserved and there is a small physicochemical difference between phenylalanine and leucine.

NM_020297.4(ABCC9):c.136T>C (p.Phe46Leu)

Gene: ABCC9 (ATP binding cassette subfamily C member 9; minus strand). Cytogenetic location: 12p12.1.
Variant type: single nucleotide variant.
Coding change: c.136T>C on transcript NM_020297.4 (MANE Select); coding-DNA position 136, T replaced by C.
Protein change: p.Phe46Leu; replaces phenylalanine 46 with leucine.
Molecular consequence: missense variant. On other transcripts: 5 prime UTR variant (1).
Genome position (GRCh38, 1-based): chr12:21,936,539, A>G on the plus strand (T>C on the coding strand, the complement: ABCC9 is on the minus strand). VCF-style: chr12-21936539-A-G. GRCh37 (hg19) VCF-style: chr12-22089473-A-G.
Other names: c.136T>C, p.Phe46Leu (NM_001377273.1, NM_005691.4); c.-319T>C (NM_001377274.1); short protein forms F46L.
Identifiers: ClinVar variation 533276 (VCV000533276.8), dbSNP rs1555125391, ClinGen allele CA384133317.